The following is an entry in ClinVar:

NM_001377.3(DYNC2H1):c.8580A>T (p.Glu2860Asp)

Gene: DYNC2H1 (dynein cytoplasmic 2 heavy chain 1; plus strand). Cytogenetic location: 11q22.3.
Variant type: single nucleotide variant.
Coding change: c.8580A>T on transcript NM_001377.3 (MANE Select); coding-DNA position 8580, A replaced by T.
Protein change: p.Glu2860Asp; replaces glutamic acid 2860 with aspartic acid.
Molecular consequence: missense variant.
Genome position (GRCh38, 1-based): chr11:103,211,829, A>T. VCF-style: chr11-103211829-A-T. GRCh37 (hg19) VCF-style: chr11-103082558-A-T.
Other names: c.8580A>T, p.Glu2860Asp (NM_001080463.2); c.8580A>T (NM_001080463.1); short protein forms E2860D.
Identifiers: ClinVar variation 1977081 (VCV001977081.7), dbSNP rs17394217, ClinGen allele CA6254484.

ClinVar aggregate classification (germline): Likely benign. Review status: criteria provided, multiple submitters, no conflicts (2 of 4 stars). 3 submissions from 3 submitters: Likely benign (3). Last evaluated 2026-01-25.

Conditions:
Jeune thoracic dystrophy. Also called: Jeune syndrome; Infantile thoracic dystrophy; Thoracic pelvic phalangeal dystrophy; Jeune's syndrome; Chondroectodermal dysplasia-like syndrome; Short-rib thoracic dysplasia. Identifiers: Orphanet 474, MedGen C0265275, MONDO:0018770.
DYNC2H1-related disorder. Also called: DYNC2H1-related disorders; DYNC2H1-related condition. Identifiers: MedGen CN378770.

Allele frequency attached by ClinVar (database versions not stated): 1000 Genomes Project 30x 0.00078; 1000 Genomes Project 0.00080.
gnomAD v4.1: 116 of 1,426,744 alleles (0.0081%); highest among the groups gnomAD compares: South Asian, 0.14%; 1 homozygote.

Submissions (3):

Labcorp Genetics (formerly Invitae), Labcorp
Classification: Likely benign for Jeune thoracic dystrophy. Last evaluated: 2026-01-25. Review status: criteria provided, single submitter. Criteria: Invitae Variant Classification Sherloc (09022015). Collection method: clinical testing. Allele origin: germline.

PreventionGenetics, part of Exact Sciences
Classification: Likely benign for DYNC2H1-related condition. Last evaluated: 2024-12-17. Review status: criteria provided, single submitter. Criteria: ACMG Guidelines, 2015. Collection method: clinical testing. Allele origin: germline.
Comment: This variant is classified as likely benign based on ACMG/AMP sequence variant interpretation guidelines (Richards et al. 2015 PMID: 25741868, with internal and published modifications).

Blueprint Genetics
Classification: Likely benign. Last evaluated: 2024-11-26. Review status: criteria provided, single submitter. Criteria: ACMG Guidelines, 2015. Collection method: clinical testing. Allele origin: germline.